The following is an entry in ClinVar:

NM_001379291.1(BRD4):c.3155A>G (p.Asp1052Gly)

Gene: BRD4 (bromodomain containing 4; minus strand). Cytogenetic location: 19p13.12.
Variant type: single nucleotide variant.
Coding change: c.3155A>G on transcript NM_001379291.1 (MANE Select); coding-DNA position 3155, A replaced by G.
Protein change: p.Asp1052Gly; replaces aspartic acid 1052 with glycine.
Molecular consequence: missense variant.
Genome position (GRCh38, 1-based): chr19:15,242,914, T>C on the plus strand (A>G on the coding strand, the complement: BRD4 is on the minus strand). VCF-style: chr19-15242914-T-C. GRCh37 (hg19) VCF-style: chr19-15353725-T-C.
Other names: c.3155A>G, p.Asp1052Gly (NM_058243.3); short protein forms D1052G.
Identifiers: ClinVar variation 2790711 (VCV002790711.3), dbSNP rs2047249777, ClinGen allele CA404502957.
Genomic context (GRCh38, chr19:15,242,914, plus strand): 5'-GGCCCAGCACCAGCCTCCCCAGAGTCTACGGGTGAGGACCACTTACCGGTTGAGTAGGGG[T>C]CCGACTTGTGGTGCCGGGGTGAATGGTGGTGCTGGATGACTTGCTGAGGCTTGGCAGGCT-3'
Protein context (NP_001366220.1, residues 1042-1062): HHHSPRHHKS[Asp1052Gly]PYSTGHLREA

ClinVar aggregate classification (germline): Uncertain significance (1 of 4 stars; one submission).

Allele frequency attached by ClinVar (database versions not stated): gnomAD 0.00001.
gnomAD v4.1: 1 of 1,605,536 alleles (0.000062%); highest among the groups gnomAD compares: Non-Finnish European, 0.000085%; no homozygotes.

Submission:

Labcorp Genetics (formerly Invitae), Labcorp
Classification: Uncertain significance. Last evaluated: 2023-10-05. Review status: criteria provided, single submitter. Criteria: Invitae Variant Classification Sherloc (09022015). Collection method: clinical testing. Allele origin: germline.
Comment: This sequence change replaces aspartic acid, which is acidic and polar, with glycine, which is neutral and non-polar, at codon 1052 of the BRD4 protein (p.Asp1052Gly). This variant is not present in population databases (gnomAD no frequency). This variant has not been reported in the literature in individuals affected with BRD4-related conditions. An algorithm developed to predict the effect of missense changes on protein structure and function (PolyPhen-2) suggests that this variant is likely to be tolerated. In summary, the available evidence is currently insufficient to determine the role of this variant in disease. Therefore, it has been classified as a Variant of Uncertain Significance.